The following is an entry in ClinVar:

NM_001267550.2(TTN):c.9093C>T (p.His3031=)

Gene: TTN (titin; minus strand). Cytogenetic location: 2q31.2.
Variant type: single nucleotide variant.
Coding change: c.9093C>T on transcript NM_001267550.2 (MANE Select); coding-DNA position 9093, C replaced by T.
Protein change: p.His3031=; no amino-acid change (histidine 3031 retained).
Molecular consequence: synonymous variant.
Genome position (GRCh38, 1-based): chr2:178,768,743, G>A on the plus strand (C>T on the coding strand, the complement: TTN is on the minus strand). VCF-style: chr2-178768743-G-A. GRCh37 (hg19) VCF-style: chr2-179633470-G-A.
Other names: c.9093C>T, p.His3031= (NM_001256850.1, NM_133378.4, NM_133379.5); c.8955C>T, p.His2985= (NM_003319.4, NM_133432.3, NM_133437.4).
Identifiers: ClinVar variation 384432 (VCV000384432.1), dbSNP rs1057521950, ClinGen allele CA16604250.
Genomic context (GRCh38, chr2:178,768,743, plus strand): 5'-AAGTGTGGCTGTTGATGTTGCTTTTCCAGCCACAAAGGTGTAGTCAGCAGCATCCCCAAA[G>A]TGAACATTCCTGATGTTCAGTGAGTGTGTGAGCTTTTTGGTTCTCATCTGGCACTTGTCA-3'
Protein context (NP_001254479.2, residues 3021-3041): LTHSLNIRNV[His3031=]FGDAADYTFV

ClinVar aggregate classification (germline): Likely benign (1 of 4 stars; one submission).

Allele frequency attached by ClinVar (database versions not stated): TOPMed below 0.00001.

Submission:

GeneDx
Classification: Likely benign. Last evaluated: 2016-03-18. Review status: criteria provided, single submitter. Criteria: GeneDx Variant Classification (06012015). Collection method: clinical testing. Allele origin: germline. Affected: yes.
Comment: This variant is considered likely benign or benign based on one or more of the following criteria: it is a conservative change, it occurs at a poorly conserved position in the protein, it is predicted to be benign by multiple in silico algorithms, and/or has population frequency not consistent with disease.